The following is an entry in ClinVar:

ClinVar aggregate classification (germline): Benign/Likely benign. Review status: criteria provided, multiple submitters, no conflicts (2 of 4 stars). 7 submissions from 7 submitters: Benign (4); Likely benign (2). 1 of the submissions does not count toward it. Last evaluated 2026-01-26.

Conditions:
CNTNAP2-related disorder. Also called: CNTNAP2-related condition.
Inborn genetic diseases. Identifiers: MedGen C0950123, MeSH D030342.
Cortical dysplasia-focal epilepsy syndrome (PTHSL1). Also called: Pitt-Hopkins-like syndrome 1. Identifiers: Orphanet 163681, Orphanet 221150, MedGen C2750246, MONDO:0012400, OMIM 610042.

Submissions (7):

Labcorp Genetics (formerly Invitae), Labcorp
Classification: Benign for Cortical dysplasia-focal epilepsy syndrome. Last evaluated: 2026-01-26. Review status: criteria provided, single submitter. Criteria: Invitae Variant Classification Sherloc (09022015). Collection method: clinical testing. Allele origin: germline.

Blueprint Genetics
Classification: Likely benign. Last evaluated: 2024-11-27. Review status: criteria provided, single submitter. Criteria: ACMG Guidelines, 2015. Collection method: clinical testing. Allele origin: germline.

Genome-Nilou Lab
Classification: Benign for Cortical dysplasia-focal epilepsy syndrome. Last evaluated: 2021-07-22. Review status: criteria provided, single submitter. Criteria: ACMG Guidelines, 2015. Collection method: clinical testing. Allele origin: germline. Affected: no.

GeneDx
Classification: Benign. Last evaluated: 2019-11-19. Review status: criteria provided, single submitter. Criteria: GeneDx Variant Classification Process June 2021. Collection method: clinical testing. Allele origin: germline. Affected: yes.

Mayo Clinic Laboratories, Mayo Clinic
Classification: Benign. Last evaluated: 2018-12-10. Review status: criteria provided, single submitter. Criteria: ACMG Guidelines, 2015. Collection method: clinical testing. Allele origin: germline. Observed: 441 variant alleles.

Ambry Genetics
Classification: Likely benign for Inborn genetic diseases. Last evaluated: 2018-11-02. Review status: criteria provided, single submitter. Criteria: Ambry Variant Classification Scheme 2023. Collection method: clinical testing. Allele origin: germline.

PreventionGenetics, part of Exact Sciences
Classification: Benign for CNTNAP2-related condition. Last evaluated: 2019-05-22. Review status: no assertion criteria provided. Collection method: clinical testing. Allele origin: germline. Not counted in ClinVar's aggregate classification.
Comment: This variant is classified as benign based on ACMG/AMP sequence variant interpretation guidelines (Richards et al. 2015 PMID: 25741868, with internal and published modifications).

NM_014141.6(CNTNAP2):c.3716-5_3716-4insGT

Gene: CNTNAP2 (contactin associated protein 2; plus strand). Cytogenetic location: 7q36.1.
Variant type: Duplication.
Coding change: c.3716-5_3716-4insGT on transcript NM_014141.6 (MANE Select); 5 bases into the intron before coding-DNA position 3716 through 4 bases into the intron before coding-DNA position 3716, GT inserted.
Molecular consequence: intron variant.
Genome position: GRCh38 VCF-style: chr7-148409385-C-CTG. GRCh37 (hg19) VCF-style: chr7-148106477-C-CTG.
Other names: p.?.
Identifiers: ClinVar variation 468432 (VCV000468432.22), dbSNP rs60451214, ClinGen allele CA4546767.
Genomic context (GRCh38, chr7:148,409,385, plus strand): 5'-GGTATCAAATTATTTGGGATCAATAGTATACTTGACTCTGACACTTGACTCTTTCTTTCT[C>CTG]TACAGCCAGTGCGGATTTTCCATATAATCCAGGACAAGGCCAAGCTATAAGAAATGGAGT-3'